The following is an entry in ClinVar:

NM_000642.3(AGL):c.3588+6G>A

Gene: AGL (amylo-alpha-1,6-glucosidase and 4-alpha-glucanotransferase; plus strand). Cytogenetic location: 1p21.2.
Variant type: single nucleotide variant.
Coding change: c.3588+6G>A on transcript NM_000642.3 (MANE Select); 6 bases into the intron after coding-DNA position 3588, G replaced by A.
Molecular consequence: intron variant.
Genome position (GRCh38, 1-based): chr1:99,900,867, G>A. VCF-style: chr1-99900867-G-A. GRCh37 (hg19) VCF-style: chr1-100366423-G-A.
Other names: c.3588+6G>A (NM_000643.3, NM_000644.3, NM_001425325.1 and 1 more transcripts); c.3540+6G>A (NM_000646.3); c.3567+6G>A (NM_001425326.1); c.3387+6G>A (NM_001425327.1); c.3384+6G>A (NM_001425328.1); c.3249+6G>A (NM_001425329.1); c.3210+6G>A (NM_001425332.1).
Identifiers: ClinVar variation 1493979 (VCV001493979.5), dbSNP rs878931687, ClinGen allele CA2573132750.

ClinVar aggregate classification (germline): Uncertain significance (1 of 4 stars; one submission).

Conditions:
Glycogen storage disease type III (GSD3). Also called: FORBES DISEASE; Cori disease. Identifiers: Orphanet 366, MedGen C0017922, MONDO:0009291, OMIM 232400.

Submission:

Labcorp Genetics (formerly Invitae), Labcorp
Classification: Uncertain significance for Glycogen storage disease type III. Last evaluated: 2021-10-03. Review status: criteria provided, single submitter. Criteria: Invitae Variant Classification Sherloc (09022015). Collection method: clinical testing. Allele origin: germline.
Comment: This variant is not present in population databases (ExAC no frequency). This sequence change falls in intron 26 of the AGL gene. It does not directly change the encoded amino acid sequence of the AGL protein. It affects a nucleotide within the consensus splice site of the intron. This variant has not been reported in the literature in individuals affected with AGL-related conditions. Variants that disrupt the consensus splice site are a relatively common cause of aberrant splicing (PMID: 17576681, 9536098). Algorithms developed to predict the effect of sequence changes on RNA splicing suggest that this variant may disrupt the consensus splice site. In summary, the available evidence is currently insufficient to determine the role of this variant in disease. Therefore, it has been classified as a Variant of Uncertain Significance.

Literature cited by the submitters: PubMed 17576681; PubMed 9536098.